The following is an entry in ClinVar:

ClinVar aggregate classification (germline): Uncertain significance. Review status: criteria provided, single submitter (1 of 4 stars). 2 submissions from 2 submitters: Uncertain significance (1). 1 of the submissions does not count toward it. Last evaluated 2021-08-20.

Conditions:
Tay-Sachs disease (TSD). Also called: HEXA DEFICIENCY; Hexosaminidase A Deficiency; HEXA Disorders; GM2 gangliosidosis, type 1; Hexosaminidase alpha-subunit deficiency (variant B); Sphingolipidosis, Tay-Sachs. Identifiers: Orphanet 845, MedGen C0039373, MONDO:0010100, OMIM 272800.

Allele frequency attached by ClinVar (database versions not stated): gnomAD exomes below 0.00001.
gnomAD v4.1: 2 of 1,595,190 alleles (0.00013%); highest among the groups gnomAD compares: Non-Finnish European, 0.00017%; no homozygotes.

Submissions (2):

Labcorp Genetics (formerly Invitae), Labcorp
Classification: Uncertain significance for Tay-Sachs disease. Last evaluated: 2021-08-20. Review status: criteria provided, single submitter. Criteria: Invitae Variant Classification Sherloc (09022015). Collection method: clinical testing. Allele origin: germline.
Comment: This sequence change replaces arginine with glycine at codon 223 of the HEXA protein (p.Arg223Gly). The arginine residue is moderately conserved and there is a moderate physicochemical difference between arginine and glycine. This variant is not present in population databases (ExAC no frequency). This variant has not been reported in the literature in individuals affected with HEXA-related conditions. Algorithms developed to predict the effect of missense changes on protein structure and function (SIFT, PolyPhen-2, Align-GVGD) all suggest that this variant is likely to be tolerated. In summary, the available evidence is currently insufficient to determine the role of this variant in disease. Therefore, it has been classified as a Variant of Uncertain Significance.

Natera, Inc.
Classification: Uncertain significance for Tay-Sachs disease. Last evaluated: 2020-02-21. Review status: no assertion criteria provided. Collection method: clinical testing. Allele origin: germline. Not counted in ClinVar's aggregate classification.

NM_000520.6(HEXA):c.667A>G (p.Arg223Gly)

Gene: HEXA (hexosaminidase subunit alpha; minus strand). Cytogenetic location: 15q23.
Variant type: single nucleotide variant.
Coding change: c.667A>G on transcript NM_000520.6 (MANE Select); coding-DNA position 667, A replaced by G.
Protein change: p.Arg223Gly; replaces arginine 223 with glycine.
Molecular consequence: missense variant. On other transcripts: non-coding transcript variant (1).
Genome position (GRCh38, 1-based): chr15:72,351,138, T>C on the plus strand (A>G on the coding strand, the complement: HEXA is on the minus strand). VCF-style: chr15-72351138-T-C. GRCh37 (hg19) VCF-style: chr15-72643479-T-C.
Other names: c.700A>G, p.Arg234Gly (NM_001318825.2); short protein forms R234G, R223G.
Identifiers: ClinVar variation 652828 (VCV000652828.10), dbSNP rs1595800426, ClinGen allele CA393063437.